The following is an entry in ClinVar:

NM_001613.4(ACTA2):c.811A>T (p.Met271Leu)

Genes: ACTA2 (actin alpha 2, smooth muscle; minus strand), ACTA2-AS1 (ACTA2 antisense RNA 1; plus strand). Cytogenetic location: 10q23.31.
Variant type: single nucleotide variant.
Coding change: c.811A>T on transcript NM_001613.4 (MANE Select); coding-DNA position 811, A replaced by T.
Protein change: p.Met271Leu; replaces methionine 271 with leucine.
Molecular consequence: missense variant. On other transcripts: non-coding transcript variant (1).
Genome position (GRCh38, 1-based): chr10:88,938,240, T>A on the plus strand (A>T on the coding strand, the complement: ACTA2 is on the minus strand). VCF-style: chr10-88938240-T-A. GRCh37 (hg19) VCF-style: chr10-90697997-T-A.
Other names: c.811A>T, p.Met271Leu (NM_001141945.3, NM_001320855.2, NM_001406462.1 and 2 more transcripts); c.700A>T, p.Met234Leu (NM_001406466.1); c.682A>T, p.Met228Leu (NM_001406467.1, NM_001406468.1, NM_001406469.1); c.619A>T, p.Met207Leu (NM_001406471.1); short protein forms M271L, M228L, M207L, M234L.
Identifiers: ClinVar variation 1172060 (VCV001172060.4), dbSNP rs2133246684, ClinGen allele CA377511046.

ClinVar aggregate classification (germline): Uncertain significance (1 of 4 stars; one submission).

Conditions:
Familial thoracic aortic aneurysm and aortic dissection (TAAD). Also called: Thoracic aortic aneurysms and dissections. Identifiers: Orphanet 91387, MedGen C4707243, MONDO:0019625.

Submission:

Color Diagnostics, LLC DBA Color Health
Classification: Uncertain significance for Familial thoracic aortic aneurysm and aortic dissection. Last evaluated: 2020-09-28. Review status: criteria provided, single submitter. Criteria: ACMG Guidelines, 2015. Collection method: clinical testing. Allele origin: germline.
Comment: This missense variant replaces methionine with leucine at codon 271 of the ACTA2 protein. Computational prediction is inconclusive regarding the impact of this variant on protein structure and function (internally defined REVEL score threshold 0.5 < inconclusive < 0.7, PMID: 27666373). To our knowledge, functional studies have not been reported for this variant. This variant has not been reported in individuals affected with cardiovascular disorders in the literature. This variant has not been identified in the general population by the Genome Aggregation Database (gnomAD). The available evidence is insufficient to determine the role of this variant in disease conclusively. Therefore, this variant is classified as a Variant of Uncertain Significance.